The following is an entry in ClinVar:

NM_014000.3(VCL):c.1064A>G (p.Gln355Arg)

Gene: VCL (vinculin; plus strand). Cytogenetic location: 10q22.2.
Variant type: single nucleotide variant.
Coding change: c.1064A>G on transcript NM_014000.3 (MANE Select); coding-DNA position 1064, A replaced by G.
Protein change: p.Gln355Arg; replaces glutamine 355 with arginine.
Molecular consequence: missense variant.
Genome position (GRCh38, 1-based): chr10:74,089,237, A>G. VCF-style: chr10-74089237-A-G. GRCh37 (hg19) VCF-style: chr10-75848995-A-G.
Other names: c.1064A>G, p.Gln355Arg (NM_003373.4); short protein forms Q355R.
Identifiers: ClinVar variation 1781228 (VCV001781228.5), dbSNP rs2549222648, ClinGen allele CA377272384.

ClinVar aggregate classification (germline): Uncertain significance. Review status: criteria provided, multiple submitters, no conflicts (2 of 4 stars). 2 submissions from 2 submitters: Uncertain significance (2). Last evaluated 2024-01-04.

Conditions:
Cardiovascular phenotype. Identifiers: MedGen CN230736.
Dilated cardiomyopathy 1W (CMD1W). Identifiers: Orphanet 154, MedGen C1969639, MONDO:0012667, OMIM 611407.

Submissions (2):

Labcorp Genetics (formerly Invitae), Labcorp
Classification: Uncertain significance for Dilated cardiomyopathy 1W. Last evaluated: 2024-01-04. Review status: criteria provided, single submitter. Criteria: Invitae Variant Classification Sherloc (09022015). Collection method: clinical testing. Allele origin: germline.
Comment: This sequence change replaces glutamine, which is neutral and polar, with arginine, which is basic and polar, at codon 355 of the VCL protein (p.Gln355Arg). This variant is not present in population databases (gnomAD no frequency). This variant has not been reported in the literature in individuals affected with VCL-related conditions. ClinVar contains an entry for this variant (Variation ID: 1781228). An algorithm developed to predict the effect of missense changes on protein structure and function (PolyPhen-2) suggests that this variant is likely to be disruptive. In summary, the available evidence is currently insufficient to determine the role of this variant in disease. Therefore, it has been classified as a Variant of Uncertain Significance.

Ambry Genetics
Classification: Uncertain significance for Cardiovascular phenotype. Last evaluated: 2021-09-07. Review status: criteria provided, single submitter. Criteria: Ambry Variant Classification Scheme 2023. Collection method: clinical testing. Allele origin: germline.
Comment: The p.Q355R variant (also known as c.1064A>G), located in coding exon 9 of the VCL gene, results from an A to G substitution at nucleotide position 1064. The glutamine at codon 355 is replaced by arginine, an amino acid with highly similar properties. This amino acid position is conserved. In addition, the in silico prediction for this alteration is inconclusive. Since supporting evidence is limited at this time, the clinical significance of this alteration remains unclear.